The following is an entry in ClinVar:

ClinVar aggregate classification (germline): Likely benign (1 of 4 stars; one submission).

Conditions:
Breast-ovarian cancer, familial, susceptibility to, 2 (BROVCA2). Also called: BRCA2 Hereditary Breast and Ovarian Cancer. Identifiers: Orphanet 145, MedGen C2675520, MONDO:0012933, OMIM 612555. Disease mechanism: loss of function.

gnomAD v4.1: 1 of 1,614,116 alleles (0.000062%); highest among the groups gnomAD compares: Non-Finnish European, 0.000085%; no homozygotes.

Submission:

Cancer Bioinformatics and Tumour Evolution Laboratory, Monash University
Classification: Likely benign for Breast-ovarian cancer, familial, susceptibility to, 2. Last evaluated: 2026-05-01. Review status: criteria provided, single submitter. Criteria: ClinGen BRCA1 and BRCA2 Guidelines, 2024. Collection method: curation. Allele origin: germline. Inheritance: Autosomal dominant inheritance.
Comment: Missense variant outside of a functional domain with no splice impact. BRCA1 and BRCA2 VCEP guidelines recommend application of BP1_Strong (PMID: 39142283)

NM_000059.4(BRCA2):c.9909T>A (p.Ser3303Arg)

Gene: BRCA2 (BRCA2 DNA repair associated; plus strand). Cytogenetic location: 13q13.1.
Variant type: single nucleotide variant.
Coding change: c.9909T>A on transcript NM_000059.4 (MANE Select); coding-DNA position 9909, T replaced by A.
Protein change: p.Ser3303Arg; replaces serine 3303 with arginine.
Molecular consequence: missense variant. On other transcripts: non-coding transcript variant (1).
Genome position (GRCh38, 1-based): chr13:32,398,422, T>A. VCF-style: chr13-32398422-T-A. GRCh37 (hg19) VCF-style: chr13-32972559-T-A.
Other names: c.9909T>A, p.Ser3303Arg (NM_001432077.1); c.9813T>A, p.Ser3271Arg (NM_001406719.1); c.9858T>A, p.Ser3286Arg (NM_001406720.1); c.4977T>A, p.Ser1659Arg (NM_001406721.1); c.3492T>A, p.Ser1164Arg (NM_001406722.1); short protein forms S1164R, S1659R, S3271R, S3286R, S3303R.
Identifiers: ClinVar variation 4856489 (VCV004856489.1).
Genomic context (GRCh38, chr13:32,398,422, plus strand): 5'-TAGTCCCATTTGTACATTTGTTTCTCCGGCTGCACAGAAGGCATTTCAGCCACCAAGGAG[T>A]TGTGGCACCAAATACGAAACACCCATAAAGAAAAAAGAACTGAATTCTCCTCAGATGACT-3'
Protein context (NP_000050.3, residues 3293-3313): AAQKAFQPPR[Ser3303Arg]CGTKYETPIK